The following is an entry in ClinVar:

ClinVar aggregate classification (germline): Uncertain significance (1 of 4 stars; one submission).

Submission:

GeneDx
Classification: Uncertain significance. Last evaluated: 2025-02-27. Review status: criteria provided, single submitter. Criteria: GeneDx Variant Classification Process June 2021. Collection method: clinical testing. Allele origin: germline. Affected: yes.
Comment: Not observed at significant frequency in large population cohorts (gnomAD); In silico analysis supports a deleterious effect on splicing; Has not been previously published as pathogenic or benign to our knowledge

NM_001148.6(ANK2):c.3125+4A>G

Gene: ANK2 (ankyrin 2; plus strand). Cytogenetic location: 4q26.
Variant type: single nucleotide variant.
Coding change: c.3125+4A>G on transcript NM_001148.6 (MANE Select); 4 bases into the intron after coding-DNA position 3125, A replaced by G.
Molecular consequence: intron variant.
Genome position (GRCh38, 1-based): chr4:113,330,474, A>G. VCF-style: chr4-113330474-A-G. GRCh37 (hg19) VCF-style: chr4-114251630-A-G.
Other names: c.3110+4A>G (NM_001386186.2, NM_001386148.2); c.2912+4A>G (NM_001354269.3); c.3089+4A>G (NM_001386187.2); c.3083+4A>G (NM_001386147.1, NM_001354261.2); c.3068+4A>G (NM_001386160.1); c.3074+4A>G (NM_001354254.2); c.3095+4A>G (NM_001354239.2, NM_001354252.2, NM_001354272.2); c.3059+4A>G (NM_001354244.2, NM_001354256.2, NM_001386161.1); and 23 more.
Identifiers: ClinVar variation 4077269 (VCV004077269.1).